The following is an entry in ClinVar:

ClinVar aggregate classification (germline): Likely benign. Review status: criteria provided, multiple submitters, no conflicts (2 of 4 stars). 5 submissions from 5 submitters: Likely benign (2). 3 of the submissions do not count toward it. Last evaluated 2025-10-18.

Conditions:
TRPM1-related disorder. Also called: TRPM1-related condition.

Allele frequency attached by ClinVar (database versions not stated): 1000 Genomes Project 0.00040; 1000 Genomes Project 30x 0.00047.
gnomAD v4.1: 156 of 1,614,196 alleles (0.0097%); highest among the groups gnomAD compares: Middle Eastern, 0.23%; 1 homozygote.

Submissions (5):

Labcorp Genetics (formerly Invitae), Labcorp
Classification: Likely benign. Last evaluated: 2025-10-18. Review status: criteria provided, single submitter. Criteria: Invitae Variant Classification Sherloc (09022015). Collection method: clinical testing. Allele origin: germline.

Blueprint Genetics
Classification: Likely benign. Last evaluated: 2024-10-09. Review status: criteria provided, single submitter. Criteria: ACMG Guidelines, 2015. Collection method: clinical testing. Allele origin: germline.

PreventionGenetics, part of Exact Sciences
Classification: Likely benign for TRPM1-related condition. Last evaluated: 2024-07-29. Review status: no assertion criteria provided. Collection method: clinical testing. Allele origin: germline. Not counted in ClinVar's aggregate classification.
Comment: This variant is classified as likely benign based on ACMG/AMP sequence variant interpretation guidelines (Richards et al. 2015 PMID: 25741868, with internal and published modifications).

Clinical Genetics DNA and cytogenetics Diagnostics Lab, Erasmus MC, Erasmus Medical Center
Classification: Likely benign. Review status: no assertion criteria provided. Collection method: clinical testing. Allele origin: germline. Affected: yes. Study: VKGL Data-share Consensus. Not counted in ClinVar's aggregate classification.

Clinical Genetics, Academic Medical Center
Classification: Benign. Review status: no assertion criteria provided. Collection method: clinical testing. Allele origin: germline. Affected: yes. Study: VKGL Data-share Consensus. Not counted in ClinVar's aggregate classification.

NM_001252024.2(TRPM1):c.4452G>C (p.Thr1484=)

Gene: TRPM1 (transient receptor potential cation channel subfamily M member 1; minus strand). Cytogenetic location: 15q13.3.
Variant type: single nucleotide variant.
Coding change: c.4452G>C on transcript NM_001252024.2 (MANE Select); coding-DNA position 4452, G replaced by C.
Protein change: p.Thr1484=; no amino-acid change (threonine 1484 retained).
Molecular consequence: synonymous variant.
Genome position (GRCh38, 1-based): chr15:31,002,248, C>G on the plus strand (G>C on the coding strand, the complement: TRPM1 is on the minus strand). VCF-style: chr15-31002248-C-G. GRCh37 (hg19) VCF-style: chr15-31294451-C-G.
Other names: c.4503G>C, p.Thr1501= (NM_001252020.2); c.4386G>C, p.Thr1462= (NM_002420.6); c.4503G>C (NM_001252020.1).
Identifiers: ClinVar variation 1080915 (VCV001080915.14), dbSNP rs16956430, ClinGen allele CA7451642.